The following is an entry in ClinVar:

ClinVar aggregate classification (germline): Uncertain significance (0 of 4 stars; one submission).

Allele frequency attached by ClinVar (database versions not stated): ExAC 0.00002; gnomAD exomes 0.00004 and 0.00006; gnomAD 0.00006 and 0.00008; TOPMed 0.00007.
gnomAD v4.1: 68 of 1,613,078 alleles (0.0042%); highest among the groups gnomAD compares: Non-Finnish European, 0.0013%; no homozygotes.

Submission:

Department of Pathology and Laboratory Medicine, Sinai Health System
Classification: Uncertain significance. Review status: no assertion criteria provided. Collection method: clinical testing. Allele origin: unknown. Affected: yes. Study: The Canadian Open Genetics Repository (COGR).
Comment: The FOXRED1 p.Asp258Asn variant was not identified in the literature nor was it identified in ClinVar. The variant was identified in dbSNP (ID: rs746325021) and in control databases in 16 of 251264 chromosomes at a frequency of 0.00006368 (Genome Aggregation Database March 6, 2019, v2.1.1). The variant was observed in the following populations: Ashkenazi Jewish in 13 of 10070 chromosomes (freq: 0.001291) and European (non-Finnish) in 3 of 113592 chromosomes (freq: 0.000026), but was not observed in the African, Latino, East Asian, European (Finnish), Other, or South Asian populations. The p.Asp258 residue is not conserved in mammals and computational analyses (PolyPhen-2, SIFT, AlignGVGD, BLOSUM, MutationTaster) do not suggest a high likelihood of impact to the protein; however, this information is not predictive enough to rule out pathogenicity. The variant occurs outside of the splicing consensus sequence and in silico or computational prediction software programs (SpliceSiteFinder, MaxEntScan, NNSPLICE, GeneSplicer) do not predict a difference in splicing. In summary, based on the above information the clinical significance of this variant cannot be determined with certainty at this time. This variant is classified as a variant of uncertain significance.

NM_017547.4(FOXRED1):c.772G>A (p.Asp258Asn)

Gene: FOXRED1 (FAD dependent oxidoreductase domain containing 1; plus strand). Cytogenetic location: 11q24.2.
Variant type: single nucleotide variant.
Coding change: c.772G>A on transcript NM_017547.4 (MANE Select); coding-DNA position 772, G replaced by A.
Protein change: p.Asp258Asn; replaces aspartic acid 258 with asparagine.
Molecular consequence: missense variant. On other transcripts: non-coding transcript variant (2).
Genome position (GRCh38, 1-based): chr11:126,275,832, G>A. VCF-style: chr11-126275832-G-A. GRCh37 (hg19) VCF-style: chr11-126145727-G-A.
Other names: short protein forms D258N.
Identifiers: ClinVar variation 1048886 (VCV001048886.1), dbSNP rs746325021, ClinGen allele CA6354208.